The following is an entry in ClinVar:

ClinVar aggregate classification (germline): Benign/Likely benign. Review status: criteria provided, multiple submitters, no conflicts (2 of 4 stars). 4 submissions from 4 submitters: Benign (1); Likely benign (3). Last evaluated 2026-05-01.

Conditions:
COG1 congenital disorder of glycosylation (CDG2G). Also called: CONGENITAL DISORDER OF GLYCOSYLATION, TYPE IIg; CDG IIg; CDGII/COG1 CEREBROCOSTOMANDIBULAR-LIKE SYNDROME. Identifiers: Orphanet 263508, MedGen C2931011, MONDO:0012637, OMIM 611209.

Allele frequency attached by ClinVar (database versions not stated): gnomAD exomes 0.00094; ExAC 0.00120; 1000 Genomes Project 0.00379; 1000 Genomes Project 30x 0.00390; gnomAD 0.00394 and 0.00419; TOPMed 0.00411; ESP Exome Variant Server 0.00507.
gnomAD v4.1: 1,154 of 1,614,224 alleles (0.071%); highest among the groups gnomAD compares: African/African-American, 1.4%; 6 homozygotes.

Submissions (4):

CeGaT Center for Human Genetics Tuebingen
Classification: Likely benign. Last evaluated: 2026-05-01. Review status: criteria provided, single submitter. Criteria: CeGaT Center For Human Genetics Tuebingen Variant Classification Criteria Version 2. Collection method: clinical testing. Allele origin: germline. Affected: yes. Observed: 1 variant allele.
Comment: COG1: BS1

Labcorp Genetics (formerly Invitae), Labcorp
Classification: Benign for COG1 congenital disorder of glycosylation. Last evaluated: 2026-01-08. Review status: criteria provided, single submitter. Criteria: Invitae Variant Classification Sherloc (09022015). Collection method: clinical testing. Allele origin: germline.

Center for Pediatric Genomic Medicine, Children's Mercy Hospital and Clinics
Classification: Likely benign. Last evaluated: 2015-06-04. Review status: criteria provided, single submitter. Criteria: ACMG Guidelines, 2015. Collection method: clinical testing. Allele origin: germline.
ClinVar note: Converted during submission from Likely Benign to Likely benign.

Breakthrough Genomics
Classification: Likely benign. Review status: criteria provided, single submitter. Criteria: ACMG Guidelines, 2015. Collection method: not provided. Allele origin: germline. Inheritance: Autosomal recessive inheritance. Affected: yes.

NM_018714.3(COG1):c.775G>T (p.Val259Leu)

Gene: COG1 (component of oligomeric golgi complex 1; plus strand). Cytogenetic location: 17q25.1.
Variant type: single nucleotide variant.
Coding change: c.775G>T on transcript NM_018714.3 (MANE Select); coding-DNA position 775, G replaced by T.
Protein change: p.Val259Leu; replaces valine 259 with leucine.
Molecular consequence: missense variant.
Genome position (GRCh38, 1-based): chr17:73,197,258, G>T. VCF-style: chr17-73197258-G-T. GRCh37 (hg19) VCF-style: chr17-71193397-G-T.
Other names: short protein forms V259L.
Identifiers: ClinVar variation 235502 (VCV000235502.17), dbSNP rs139304974, ClinGen allele CA8740064.